The following is an entry in ClinVar:

ClinVar aggregate classification (germline): Benign. Review status: criteria provided, multiple submitters, no conflicts (2 of 4 stars). 3 submissions from 3 submitters: Benign (3). Last evaluated 2024-11-27.

Allele frequency attached by ClinVar (database versions not stated): 1000 Genomes Project 30x 0.14772; 1000 Genomes Project 0.14936; TOPMed 0.21609; gnomAD 0.22396 and 0.22891; gnomAD exomes 0.22848 and 0.25132; ExAC 0.31743.
gnomAD v4.1: 227,410 of 921,084 alleles (25%); highest among the groups gnomAD compares: Non-Finnish European, 28%; 30,700 homozygotes.

Submissions (3):

Blueprint Genetics
Classification: Benign. Last evaluated: 2024-11-27. Review status: criteria provided, single submitter. Criteria: ACMG Guidelines, 2015. Collection method: clinical testing. Allele origin: germline.

GeneDx
Classification: Benign. Last evaluated: 2018-06-19. Review status: criteria provided, single submitter. Criteria: GeneDx Variant Classification (06012015). Collection method: clinical testing. Allele origin: germline. Affected: yes.
Comment: This variant is considered likely benign or benign based on one or more of the following criteria: it is a conservative change, it occurs at a poorly conserved position in the protein, it is predicted to be benign by multiple in silico algorithms, and/or has population frequency not consistent with disease.

Breakthrough Genomics
Classification: Benign. Review status: criteria provided, single submitter. Criteria: ACMG Guidelines, 2015. Collection method: not provided. Allele origin: germline. Inheritance: Autosomal dominant inheritance. Affected: yes.

NM_001368894.2(PAX6):c.1074+107C>T

Gene: PAX6 (paired box 6; minus strand). Cytogenetic location: 11p13.
Variant type: single nucleotide variant.
Coding change: c.1074+107C>T on transcript NM_001368894.2 (MANE Select); 107 bases into the intron after coding-DNA position 1074, C replaced by T.
Molecular consequence: intron variant. On other transcripts: missense variant (1).
Genome position (GRCh38, 1-based): chr11:31,793,331, G>A on the plus strand (C>T on the coding strand, the complement: PAX6 is on the minus strand). VCF-style: chr11-31793331-G-A. GRCh37 (hg19) VCF-style: chr11-31814879-G-A.
Other names: c.1139C>T, p.Ser380Leu (NM_001310159.1); c.1032+107C>T (NM_001127612.3, NM_001368890.2, NM_001368888.2 and 9 more transcripts); c.873+107C>T (NM_001368921.2, NM_001368923.2, NM_001368926.2 and 4 more transcripts); c.1074+107C>T (NM_001258462.3, NM_001310158.2, NM_001258463.2 and 6 more transcripts); c.1149+107C>T (NM_001368919.2, NM_001368918.2); c.1275+107C>T (NM_001368910.2); c.624+107C>T (NM_001368909.2, NM_001368904.2, NM_001368905.2 and 11 more transcripts); c.1077+107C>T (NM_001368911.2); and 3 more; short protein forms S380L.
Identifiers: ClinVar variation 675001 (VCV000675001.4), dbSNP rs3026384, ClinGen allele CA5933723.